The following is an entry in ClinVar:

NM_006019.4(TCIRG1):c.980G>T (p.Arg327Leu)

Gene: TCIRG1 (T cell immune regulator 1, ATPase H+ transporting V0 subunit a3; plus strand). Cytogenetic location: 11q13.2.
Variant type: single nucleotide variant.
Coding change: c.980G>T on transcript NM_006019.4 (MANE Select); coding-DNA position 980, G replaced by T.
Protein change: p.Arg327Leu; replaces arginine 327 with leucine.
Molecular consequence: missense variant.
Genome position (GRCh38, 1-based): chr11:68,044,304, G>T. VCF-style: chr11-68044304-G-T. GRCh37 (hg19) VCF-style: chr11-67811771-G-T.
Other names: c.86G>T, p.Arg29Leu (NM_001351059.2); c.332G>T, p.Arg111Leu (NM_006053.4); short protein forms R327L, R29L, R111L.
Identifiers: ClinVar variation 1402801 (VCV001402801.7), dbSNP rs376320516, ClinGen allele CA6146859.

ClinVar aggregate classification (germline): Uncertain significance (1 of 4 stars; one submission).

Allele frequency attached by ClinVar (database versions not stated): ESP Exome Variant Server 0.00008.
gnomAD v4.1: 76 of 1,602,768 alleles (0.0047%); highest among the groups gnomAD compares: Non-Finnish European, 0.0063%; no homozygotes.

Submission:

Labcorp Genetics (formerly Invitae), Labcorp
Classification: Uncertain significance. Last evaluated: 2024-08-24. Review status: criteria provided, single submitter. Criteria: Invitae Variant Classification Sherloc (09022015). Collection method: clinical testing. Allele origin: germline.
Comment: This sequence change replaces arginine, which is basic and polar, with leucine, which is neutral and non-polar, at codon 327 of the TCIRG1 protein (p.Arg327Leu). The frequency data for this variant in the population databases is considered unreliable, as metrics indicate poor data quality at this position in the gnomAD database. This variant has not been reported in the literature in individuals affected with TCIRG1-related conditions. ClinVar contains an entry for this variant (Variation ID: 1402801). Invitae Evidence Modeling of protein sequence and biophysical properties (such as structural, functional, and spatial information, amino acid conservation, physicochemical variation, residue mobility, and thermodynamic stability) indicates that this missense variant is not expected to disrupt TCIRG1 protein function with a negative predictive value of 80%. In summary, the available evidence is currently insufficient to determine the role of this variant in disease. Therefore, it has been classified as a Variant of Uncertain Significance.